The following is an entry in ClinVar:

NM_001365999.1(SZT2):c.9167A>G (p.Gln3056Arg)

Gene: SZT2 (SZT2 subunit of KICSTOR complex; plus strand). Cytogenetic location: 1p34.2.
Variant type: single nucleotide variant.
Coding change: c.9167A>G on transcript NM_001365999.1 (MANE Select); coding-DNA position 9167, A replaced by G.
Protein change: p.Gln3056Arg; replaces glutamine 3056 with arginine.
Molecular consequence: missense variant.
Genome position (GRCh38, 1-based): chr1:43,447,049, A>G. VCF-style: chr1-43447049-A-G. GRCh37 (hg19) VCF-style: chr1-43912720-A-G.
Other names: c.8996A>G, p.Gln2999Arg (NM_015284.4); short protein forms Q2999R, Q3056R.
Identifiers: ClinVar variation 953473 (VCV000953473.9), dbSNP rs1055385718, ClinGen allele CA21652110.

ClinVar aggregate classification (germline): Uncertain significance (1 of 4 stars; one submission).

Allele frequency attached by ClinVar (database versions not stated): gnomAD exomes below 0.00001; gnomAD 0.00001; TOPMed 0.00001.
gnomAD v4.1: 2 of 1,613,856 alleles (0.00012%); highest among the groups gnomAD compares: Non-Finnish European, 0.00017%; no homozygotes.

Submission:

Labcorp Genetics (formerly Invitae), Labcorp
Classification: Uncertain significance. Last evaluated: 2024-02-24. Review status: criteria provided, single submitter. Criteria: Invitae Variant Classification Sherloc (09022015). Collection method: clinical testing. Allele origin: germline.
Comment: This sequence change replaces glutamine, which is neutral and polar, with arginine, which is basic and polar, at codon 2999 of the SZT2 protein (p.Gln2999Arg). This variant is not present in population databases (gnomAD no frequency). This variant has not been reported in the literature in individuals affected with SZT2-related conditions. ClinVar contains an entry for this variant (Variation ID: 953473). Advanced modeling of protein sequence and biophysical properties (such as structural, functional, and spatial information, amino acid conservation, physicochemical variation, residue mobility, and thermodynamic stability) performed at Invitae indicates that this missense variant is not expected to disrupt SZT2 protein function with a negative predictive value of 80%. In summary, the available evidence is currently insufficient to determine the role of this variant in disease. Therefore, it has been classified as a Variant of Uncertain Significance.